The following is an entry in ClinVar:

NM_003356.4(UCP3):c.795C>T (p.Ala265=)

Gene: UCP3 (uncoupling protein 3; minus strand). Cytogenetic location: 11q13.4.
Variant type: single nucleotide variant.
Coding change: c.795C>T on transcript NM_003356.4 (MANE Select); coding-DNA position 795, C replaced by T.
Protein change: p.Ala265=; no amino-acid change (alanine 265 retained).
Molecular consequence: synonymous variant.
Genome position (GRCh38, 1-based): chr11:74,003,856, G>A on the plus strand (C>T on the coding strand, the complement: UCP3 is on the minus strand). VCF-style: chr11-74003856-G-A. GRCh37 (hg19) VCF-style: chr11-73714901-G-A.
Other names: c.795C>T, p.Ala265= (NM_022803.3).
Identifiers: ClinVar variation 4977255 (VCV004977255.1).

ClinVar aggregate classification (germline): Likely benign (1 of 4 stars; one submission).

Conditions:
UCP3-related disorder. Also called: UCP3-related condition.

Submission:

PreventionGenetics, part of Exact Sciences
Classification: Likely benign for UCP3-related condition. Last evaluated: 2024-11-15. Review status: criteria provided, single submitter. Criteria: ACMG Guidelines, 2015. Collection method: clinical testing. Allele origin: germline.
Comment: This variant is classified as likely benign based on ACMG/AMP sequence variant interpretation guidelines (Richards et al. 2015 PMID: 25741868, with internal and published modifications).